The following is an entry in ClinVar:

ClinVar aggregate classification (germline): Uncertain significance (1 of 4 stars; one submission).

Conditions:
Inborn genetic diseases. Identifiers: MedGen C0950123, MeSH D030342.

Submission:

Ambry Genetics
Classification: Uncertain significance for Inborn genetic diseases. Last evaluated: 2025-08-12. Review status: criteria provided, single submitter. Criteria: Ambry Variant Classification Scheme 2023. Collection method: clinical testing. Allele origin: germline.
Comment: The p.F584L variant (also known as c.1752C>G), located in coding exon 17 of the DDX41 gene, results from a C to G substitution at nucleotide position 1752. The phenylalanine at codon 584 is replaced by leucine, an amino acid with highly similar properties. This amino acid position is conserved. In addition, the in silico prediction for this alteration is inconclusive. Based on the available evidence, the clinical significance of this variant remains unclear.

NM_016222.4(DDX41):c.1752C>G (p.Phe584Leu)

Gene: DDX41 (DEAD-box helicase 41; minus strand). Cytogenetic location: 5q35.3.
Variant type: single nucleotide variant.
Coding change: c.1752C>G on transcript NM_016222.4 (MANE Select); coding-DNA position 1752, C replaced by G.
Protein change: p.Phe584Leu; replaces phenylalanine 584 with leucine.
Molecular consequence: missense variant.
Genome position (GRCh38, 1-based): chr5:177,511,908, G>C on the plus strand (C>G on the coding strand, the complement: DDX41 is on the minus strand). VCF-style: chr5-177511908-G-C. GRCh37 (hg19) VCF-style: chr5-176938909-G-C.
Other names: c.1374C>G, p.Phe458Leu (NM_001321732.2, NM_001321830.2); short protein forms F584L, F458L.
Identifiers: ClinVar variation 4238800 (VCV004238800.1).